The following is an entry in ClinVar:

NM_001040108.2(MLH3):c.3873T>A (p.Phe1291Leu)

Gene: MLH3 (mutL homolog 3; minus strand). Cytogenetic location: 14q24.3.
Variant type: single nucleotide variant.
Coding change: c.3873T>A on transcript NM_001040108.2 (MANE Select); coding-DNA position 3873, T replaced by A.
Protein change: p.Phe1291Leu; replaces phenylalanine 1291 with leucine.
Molecular consequence: missense variant.
Genome position (GRCh38, 1-based): chr14:75,030,657, A>T on the plus strand (T>A on the coding strand, the complement: MLH3 is on the minus strand). VCF-style: chr14-75030657-A-T. GRCh37 (hg19) VCF-style: chr14-75497360-A-T.
Other names: c.3801T>A, p.Phe1267Leu (NM_014381.3); short protein forms F1291L, F1267L.
Identifiers: ClinVar variation 2448622 (VCV002448622.2), dbSNP rs2139386592, ClinGen allele CA390423064.

ClinVar aggregate classification (germline): Uncertain significance (1 of 4 stars; one submission).

Allele frequency attached by ClinVar (database versions not stated): gnomAD exomes below 0.00001.
gnomAD v4.1: 4 of 1,613,952 alleles (0.00025%); highest among the groups gnomAD compares: Non-Finnish European, 0.00034%; no homozygotes.

Submission:

Ambry Genetics
Classification: Uncertain significance. Last evaluated: 2022-12-15. Review status: criteria provided, single submitter. Criteria: Ambry Variant Classification Scheme 2023. Collection method: clinical testing. Allele origin: germline.
Comment: The p.F1291L variant (also known as c.3873T>A), located in coding exon 8 of the MLH3 gene, results from a T to A substitution at nucleotide position 3873. The phenylalanine at codon 1291 is replaced by leucine, an amino acid with highly similar properties. This amino acid position is conserved. In addition, the in silico prediction for this alteration is inconclusive. Since supporting evidence is limited at this time, the clinical significance of this alteration remains unclear.